The following is an entry in ClinVar:

NM_005659.7(UFD1):c.321C>T (p.Gly107=)

Gene: UFD1 (ubiquitin recognition factor in ER associated degradation 1; minus strand). Cytogenetic location: 22q11.21.
Variant type: single nucleotide variant.
Coding change: c.321C>T on transcript NM_005659.7 (MANE Select); coding-DNA position 321, C replaced by T.
Protein change: p.Gly107=; no amino-acid change (glycine 107 retained).
Molecular consequence: synonymous variant.
Genome position (GRCh38, 1-based): chr22:19,467,974, G>A on the plus strand (C>T on the coding strand, the complement: UFD1 is on the minus strand). VCF-style: chr22-19467974-G-A. GRCh37 (hg19) VCF-style: chr22-19455497-G-A.
Other names: NC_000022.10:g.19455497G>A; c.321C>T, p.Gly107= (NM_001035247.3); c.306C>T, p.Gly102= (NM_001362910.2).
Identifiers: ClinVar variation 786375 (VCV000786375.7), dbSNP rs34958629, ClinGen allele CA10100654.

ClinVar aggregate classification (germline): Benign. Review status: criteria provided, single submitter (1 of 4 stars). 2 submissions from 2 submitters: Benign (1). 1 of the submissions does not count toward it. Last evaluated 2019-12-31.

Conditions:
UFD1-related disorder. Also called: UFD1-related condition.

Allele frequency attached by ClinVar (database versions not stated): gnomAD 0.00527 and 0.00558; TOPMed 0.00617; ESP Exome Variant Server 0.00638; 1000 Genomes Project 0.00699; 1000 Genomes Project 30x 0.00703.
gnomAD v4.1: 1,537 of 1,614,116 alleles (0.095%); highest among the groups gnomAD compares: African/African-American, 1.8%; 13 homozygotes.

Submissions (3):

Labcorp Genetics (formerly Invitae), Labcorp
Classification: Benign. Last evaluated: 2019-12-31. Review status: criteria provided, single submitter. Criteria: Invitae Variant Classification Sherloc (09022015). Collection method: clinical testing. Allele origin: germline.

PreventionGenetics, part of Exact Sciences
Classification: Benign for UFD1-related condition. Last evaluated: 2019-05-20. Review status: no assertion criteria provided. Collection method: clinical testing. Allele origin: germline. Not counted in ClinVar's aggregate classification.
Comment: This variant is classified as benign based on ACMG/AMP sequence variant interpretation guidelines (Richards et al. 2015 PMID: 25741868, with internal and published modifications).

Dr. Peter K. Rogan Lab, Western University
No classification provided (evidence only). Condition: Cervical cancer. Review status: no classification provided. Collection method: in vitro. Allele origin: not applicable. Functional consequence: retained intron. Not counted in ClinVar's aggregate classification.